The following is an entry in ClinVar:

NM_024529.5(CDC73):c.743A>G (p.Asn248Ser)

Gene: CDC73 (cell division cycle 73; plus strand). Cytogenetic location: 1q31.2.
Variant type: single nucleotide variant.
Coding change: c.743A>G on transcript NM_024529.5 (MANE Select); coding-DNA position 743, A replaced by G.
Protein change: p.Asn248Ser; replaces asparagine 248 with serine.
Molecular consequence: missense variant.
Genome position (GRCh38, 1-based): chr1:193,147,880, A>G. VCF-style: chr1-193147880-A-G. GRCh37 (hg19) VCF-style: chr1-193117010-A-G.
Other names: short protein forms N248S.
Identifiers: ClinVar variation 3998660 (VCV003998660.1).
Genomic context (GRCh38, chr1:193,147,880, plus strand): 5'-TATTGTATATTTAAAGTGGGCTTAATTAAAATCCATTTATATTTTAGAATTTTTCCAAGA[A>G]CATTTTTGCAATTCTTCAATCTGTAAAAGCCAGAGAAGAAGGGCGTGCACCTGAACAGCG-3'
Protein context (NP_078805.3, residues 238-258): LQSTGKNFSK[Asn248Ser]IFAILQSVKA

ClinVar aggregate classification (germline): Uncertain significance (1 of 4 stars; one submission).

Conditions:
Hereditary cancer-predisposing syndrome. Also called: Tumor predisposition; Hereditary neoplastic syndrome; Neoplastic Syndromes, Hereditary; Hereditary Cancer Syndrome. Identifiers: Orphanet 140162, MedGen C0027672, MeSH D009386, MONDO:0015356.

Submission:

Ambry Genetics
Classification: Uncertain significance for Hereditary cancer-predisposing syndrome. Last evaluated: 2025-05-21. Review status: criteria provided, single submitter. Criteria: Ambry Variant Classification Scheme 2023. Collection method: clinical testing. Allele origin: germline.
Comment: The p.N248S variant (also known as c.743A>G), located in coding exon 8 of the CDC73 gene, results from an A to G substitution at nucleotide position 743. The asparagine at codon 248 is replaced by serine, an amino acid with highly similar properties. This amino acid position is conserved. In addition, this alteration is predicted to be tolerated by in silico analysis. Based on the available evidence, the clinical significance of this variant remains unclear.